The following is an entry in ClinVar:

NM_001367624.2(ZNF469):c.847G>C (p.Ala283Pro)

Gene: ZNF469 (zinc finger protein 469; plus strand). Cytogenetic location: 16q24.2.
Variant type: single nucleotide variant.
Coding change: c.847G>C on transcript NM_001367624.2 (MANE Select); coding-DNA position 847, G replaced by C.
Protein change: p.Ala283Pro; replaces alanine 283 with proline.
Molecular consequence: missense variant.
Genome position (GRCh38, 1-based): chr16:88,428,317, G>C. VCF-style: chr16-88428317-G-C. GRCh37 (hg19) VCF-style: chr16-88494725-G-C.
Other names: NM_001127464.1:c.847G>C; NM_001127464.2:c.847G>C; short protein forms A283P.
Identifiers: ClinVar variation 1763536 (VCV001763536.6), dbSNP rs923941982, ClinGen allele CA397062080.

ClinVar aggregate classification (germline): Uncertain significance. Review status: criteria provided, multiple submitters, no conflicts (2 of 4 stars). 3 submissions from 3 submitters: Uncertain significance (3). Last evaluated 2026-03-05.

Conditions:
ZNF469-related disorder. Also called: ZNF469-related condition.
Cardiovascular phenotype. Identifiers: MedGen CN230736.

Allele frequency attached by ClinVar (database versions not stated): gnomAD 0.00001.
gnomAD v4.1: 3 of 1,550,064 alleles (0.00019%); highest among the groups gnomAD compares: South Asian, 0.0024%; no homozygotes.

Submissions (3):

PreventionGenetics, part of Exact Sciences
Classification: Uncertain significance for ZNF469-related condition. Last evaluated: 2026-03-05. Review status: criteria provided, single submitter. Criteria: ACMG Guidelines, 2015. Collection method: clinical testing. Allele origin: germline.
Comment: The ZNF469 c.847G>C variant is predicted to result in the amino acid substitution p.Ala283Pro. To our knowledge, this variant has not been reported in the literature or in a large population database (gnomAD), indicating this variant is rare. At this time, the clinical significance of this variant is uncertain due to the absence of conclusive functional and genetic evidence.

Labcorp Genetics (formerly Invitae), Labcorp
Classification: Uncertain significance. Last evaluated: 2023-12-22. Review status: criteria provided, single submitter. Criteria: Invitae Variant Classification Sherloc (09022015). Collection method: clinical testing. Allele origin: germline.
Comment: This sequence change replaces alanine, which is neutral and non-polar, with proline, which is neutral and non-polar, at codon 283 of the ZNF469 protein (p.Ala283Pro). This variant is not present in population databases (gnomAD no frequency). This variant has not been reported in the literature in individuals affected with ZNF469-related conditions. ClinVar contains an entry for this variant (Variation ID: 1763536). Algorithms developed to predict the effect of missense changes on protein structure and function output the following: SIFT: "Not Available"; PolyPhen-2: "Probably Damaging"; Align-GVGD: "Not Available". The proline amino acid residue is found in multiple mammalian species, which suggests that this missense change does not adversely affect protein function. In summary, the available evidence is currently insufficient to determine the role of this variant in disease. Therefore, it has been classified as a Variant of Uncertain Significance.

Ambry Genetics
Classification: Uncertain significance for Cardiovascular phenotype. Last evaluated: 2021-08-31. Review status: criteria provided, single submitter. Criteria: Ambry Variant Classification Scheme 2023. Collection method: clinical testing. Allele origin: germline.
Comment: The p.A283P variant (also known as c.847G>C), located in coding exon 1 of the ZNF469 gene, results from a G to C substitution at nucleotide position 847. The alanine at codon 283 is replaced by proline, an amino acid with highly similar properties. This amino acid position is conserved. In addition, this alteration is predicted to be tolerated by in silico analysis. Since supporting evidence is limited at this time, the clinical significance of this alteration remains unclear.